The following is an entry in ClinVar:

ClinVar aggregate classification (germline): Pathogenic. Review status: criteria provided, multiple submitters, no conflicts (2 of 4 stars). 4 submissions from 4 submitters: Pathogenic (3). 1 of the submissions does not count toward it. Last evaluated 2025-02-03.

Conditions:
CLN6-related disorder. Also called: CLN6-related condition.
Neuronal ceroid lipofuscinosis. Also called: Neuronal Ceroid Lipofuscinoses. Identifiers: Orphanet 216, Orphanet 79263, MedGen C0027877, MONDO:0016295. Disease mechanism: loss of function.
Ceroid lipofuscinosis, neuronal, 6A. Also called: CLN6-Related Neuronal Ceroid-Lipofuscinosis; Neuronal ceroid lipofuscinosis, late infantile, variant; Neuronal ceroid lipofuscinosis, Gypsy/Indian early juvenile variant; Neuronal ceroid lipofuscinosis 6. Identifiers: Orphanet 168491, Orphanet 228363, MedGen C5551375, MONDO:0011144, OMIM 601780.

Allele frequency attached by ClinVar (database versions not stated): gnomAD exomes below 0.00001.

Submissions (4):

Natera, Inc.
Classification: Pathogenic for Ceroid lipofuscinosis, neuronal, 6A. Last evaluated: 2025-02-03. Review status: criteria provided, single submitter. Criteria: Natera Variant Classification Schema (03/2026). Collection method: clinical testing. Allele origin: germline.
Comment: The c.268_271dupAACG variant in CLN6 is a frameshift variant predicted to shift the reading frame beginning at codon 91 and leads to a stop codon 42 codons downstream. This variant is expected to result in nonsense mediated decay, truncation, or a dysfunctional protein product. This variant is rare in the general population with a frequency below the threshold expected for the associated phenotype(s). This variant has been observed in one or more individuals affected with the associated recessive disease, as either homozygous or compound heterozygous with a second variant (PMID: 18684116, 12673792). Additionally, this variant has been observed to segregate in affected family members (PMID: 18684116). Given the available evidence, this variant is classified as Pathogenic.

Labcorp Genetics (formerly Invitae), Labcorp
Classification: Pathogenic for Neuronal ceroid lipofuscinosis. Last evaluated: 2024-06-08. Review status: criteria provided, single submitter. Criteria: Invitae Variant Classification Sherloc (09022015). Collection method: clinical testing. Allele origin: germline.
Comment: This sequence change creates a premature translational stop signal (p.Val91Glufs*42) in the CLN6 gene. It is expected to result in an absent or disrupted protein product. Loss-of-function variants in CLN6 are known to be pathogenic (PMID: 19135028). This variant is not present in population databases (gnomAD no frequency). This premature translational stop signal has been observed in individual(s) with neuronal ceroid lipofuscinosis (PMID: 12673792, 18684116). This variant is also known as c.267_ 268insAACG. ClinVar contains an entry for this variant (Variation ID: 4086). For these reasons, this variant has been classified as Pathogenic.

Blueprint Genetics
Classification: Pathogenic for CLN6-related disorders. Last evaluated: 2023-09-29. Review status: criteria provided, single submitter. Criteria: ACMG Guidelines, 2015. Collection method: clinical testing. Allele origin: germline. Affected: yes. Observed: 2 variant alleles.

OMIM
Classification: Pathogenic for CEROID LIPOFUSCINOSIS, NEURONAL, 6A. Last evaluated: 2008-09-01. Review status: no assertion criteria provided. Collection method: literature only. Allele origin: germline. Not counted in ClinVar's aggregate classification.

Literature cited by the submitters: PubMed 18684116 (cited by 3 submitters); PubMed 12673792 (cited by 3 submitters); PubMed 19135028 (cited by Labcorp Genetics (formerly Invitae), Labcorp).

NM_017882.3(CLN6):c.268_271dup (p.Val91fs)

Gene: CLN6 (CLN6 transmembrane ER protein; minus strand). Cytogenetic location: 15q23.
Variant type: Duplication.
Coding change: c.268_271dup on transcript NM_017882.3 (MANE Select); coding-DNA positions 268 to 271, 4 bases duplicated (AACG; older notation c.268_271dupAACG).
Protein change: p.Val91fs; shifts the reading frame from valine 91.
Molecular consequence: frameshift variant.
Genome position (GRCh38, 1-based): chr15:68,214,316-68,214,319, CGTT duplicated on the plus strand (AACG on the coding strand, the reverse complement: CLN6 is on the minus strand). VCF-style (leftmost placement, unchanged base first): chr15-68214315-A-ACGTT. GRCh37 (hg19) VCF-style: chr15-68506653-A-ACGTT.
Other names: c.268_271dupAACG (NM_017882.2); short protein forms V91fs.
Identifiers: ClinVar variation 4086 (VCV000004086.14), dbSNP rs786205067, ClinGen allele CA252987.
Genomic context (GRCh38, chr15:68,214,315, plus strand): 5'-GATGACAGGAGAGAGTGGGGGCCCTGGGACAGTACCTTGAGCAAGAGAAAGGGCGTGATG[A>ACGTT]CGTTGTAGGCCATGTGGAAGTAGTCCCCAACACTGGGCTTGTTGAGTGGAAACCACTCGA-3'